The following is an entry in ClinVar:

NM_005619.5(RTN2):c.797T>G (p.Val266Gly)

Genes: OPA3-RTN2 (OPA3-RTN2 readthrough; minus strand), RTN2 (reticulon 2; minus strand). Cytogenetic location: 19q13.32.
Variant type: single nucleotide variant.
Coding change: c.797T>G on transcript NM_005619.5 (MANE Select); coding-DNA position 797, T replaced by G.
Protein change: p.Val266Gly; replaces valine 266 with glycine.
Molecular consequence: missense variant.
Genome position (GRCh38, 1-based): chr19:45,494,183, A>C on the plus strand (T>G on the coding strand, the complement: RTN2 is on the minus strand). VCF-style: chr19-45494183-A-C. GRCh37 (hg19) VCF-style: chr19-45997441-A-C.
Other names: c.797T>G, p.Val266Gly (NM_206900.3); short protein forms V266G.
Identifiers: ClinVar variation 2793393 (VCV002793393.3), dbSNP rs2513741708, ClinGen allele CA406360234.

ClinVar aggregate classification (germline): Uncertain significance (1 of 4 stars; one submission).

Conditions:
Spastic paraplegia. Identifiers: MedGen C0037772, HP:0001258.

Submission:

Labcorp Genetics (formerly Invitae), Labcorp
Classification: Uncertain significance for Spastic paraplegia. Last evaluated: 2023-01-28. Review status: criteria provided, single submitter. Criteria: Invitae Variant Classification Sherloc (09022015). Collection method: clinical testing. Allele origin: germline.
Comment: In summary, the available evidence is currently insufficient to determine the role of this variant in disease. Therefore, it has been classified as a Variant of Uncertain Significance. Algorithms developed to predict the effect of missense changes on protein structure and function (SIFT, PolyPhen-2, Align-GVGD) all suggest that this variant is likely to be tolerated. This variant has not been reported in the literature in individuals affected with RTN2-related conditions. This variant is not present in population databases (gnomAD no frequency). This sequence change replaces valine, which is neutral and non-polar, with glycine, which is neutral and non-polar, at codon 266 of the RTN2 protein (p.Val266Gly).